The following is an entry in ClinVar:

NM_004130.4(GYG1):c.883G>A (p.Asp295Asn)

Gene: GYG1 (glycogenin 1; plus strand). Cytogenetic location: 3q24.
Variant type: single nucleotide variant.
Coding change: c.883G>A on transcript NM_004130.4 (MANE Select); coding-DNA position 883, G replaced by A.
Protein change: p.Asp295Asn; replaces aspartic acid 295 with asparagine.
Molecular consequence: missense variant. On other transcripts: synonymous variant (1).
Genome position (GRCh38, 1-based): chr3:149,026,763, G>A. VCF-style: chr3-149026763-G-A. GRCh37 (hg19) VCF-style: chr3-148744550-G-A.
Other names: c.832G>A, p.Asp278Asn (NM_001184720.2); c.612G>A, p.Lys204= (NM_001184721.2); short protein forms D295N, D278N.
Identifiers: ClinVar variation 649105 (VCV000649105.8), dbSNP rs202085215, ClinGen allele CA354909200.

ClinVar aggregate classification (germline): Uncertain significance (1 of 4 stars; one submission).

Conditions:
Glycogen storage disease XV (GSD15). Also called: GLYCOGENIN DEFICIENCY; GSD XV. Identifiers: Orphanet 263297, MedGen C3150754, MONDO:0013291, OMIM 613507.
Polyglucosan body myopathy type 2. Identifiers: Orphanet 456369, MedGen C4015452, MONDO:0014526, OMIM 616199.

Submission:

Labcorp Genetics (formerly Invitae), Labcorp
Classification: Uncertain significance for Polyglucosan body myopathy type 2; Glycogen storage disease XV. Last evaluated: 2023-08-04. Review status: criteria provided, single submitter. Criteria: Invitae Variant Classification Sherloc (09022015). Collection method: clinical testing. Allele origin: germline.
Comment: This variant is not present in population databases (gnomAD no frequency). In summary, the available evidence is currently insufficient to determine the role of this variant in disease. Therefore, it has been classified as a Variant of Uncertain Significance. Algorithms developed to predict the effect of sequence changes on RNA splicing suggest that this variant may disrupt the consensus splice site. Algorithms developed to predict the effect of missense changes on protein structure and function output the following: SIFT: "Not Available"; PolyPhen-2: "Benign"; Align-GVGD: "Not Available". The asparagine amino acid residue is found in multiple mammalian species, which suggests that this missense change does not adversely affect protein function. ClinVar contains an entry for this variant (Variation ID: 649105). This variant has not been reported in the literature in individuals affected with GYG1-related conditions. This sequence change replaces aspartic acid, which is acidic and polar, with asparagine, which is neutral and polar, at codon 295 of the GYG1 protein (p.Asp295Asn).